The following is an entry in ClinVar:

ClinVar aggregate classification (germline): Uncertain significance (1 of 4 stars; one submission).

Submission:

Labcorp Genetics (formerly Invitae), Labcorp
Classification: Uncertain significance. Last evaluated: 2024-12-28. Review status: criteria provided, single submitter. Criteria: Invitae Variant Classification Sherloc (09022015). Collection method: clinical testing. Allele origin: germline.
Comment: This sequence change affects an acceptor splice site in intron 2 of the CCT2 gene. It is expected to disrupt RNA splicing. Variants that disrupt the donor or acceptor splice site typically lead to a loss of protein function (PMID: 16199547), however the current clinical and genetic evidence is not sufficient to establish whether loss-of-function variants in CCT2 cause disease. This variant is not present in population databases (gnomAD no frequency). This variant has not been reported in the literature in individuals affected with CCT2-related conditions. Algorithms developed to predict the effect of sequence changes on RNA splicing suggest that this variant may disrupt the consensus splice site. In summary, the available evidence is currently insufficient to determine the role of this variant in disease. Therefore, it has been classified as a Variant of Uncertain Significance.

Literature cited by the submitters: PubMed 16199547.

NM_006431.3(CCT2):c.79-1G>C

Gene: CCT2 (chaperonin containing TCP1 subunit 2; plus strand). Cytogenetic location: 12q15.
Variant type: single nucleotide variant.
Coding change: c.79-1G>C on transcript NM_006431.3 (MANE Select); the canonical splice acceptor site of the intron before coding-DNA position 79, G replaced by C.
Molecular consequence: splice acceptor variant.
Genome position (GRCh38, 1-based): chr12:69,586,752, G>C. VCF-style: chr12-69586752-G-C. GRCh37 (hg19) VCF-style: chr12-69980532-G-C.
Other names: c.-63-1G>C (NM_001198842.2).
Identifiers: ClinVar variation 3728203 (VCV003728203.2).